The following is an entry in ClinVar:

NM_000334.4(SCN4A):c.703+5T>C

Gene: SCN4A (sodium voltage-gated channel alpha subunit 4; minus strand). Cytogenetic location: 17q23.3.
Variant type: single nucleotide variant.
Coding change: c.703+5T>C on transcript NM_000334.4 (MANE Select); 5 bases into the intron after coding-DNA position 703, T replaced by C.
Molecular consequence: intron variant.
Genome position (GRCh38, 1-based): chr17:63,971,157, A>G on the plus strand (T>C on the coding strand, the complement: SCN4A is on the minus strand). VCF-style: chr17-63971157-A-G. GRCh37 (hg19) VCF-style: chr17-62048517-A-G.
Identifiers: ClinVar variation 3338939 (VCV003338939.1).

ClinVar aggregate classification (germline): Uncertain significance (1 of 4 stars; one submission).

gnomAD v4.1: 10 of 1,551,022 alleles (0.00064%); highest among the groups gnomAD compares: South Asian, 0.012%; no homozygotes.

Submission:

Women's Health and Genetics/Laboratory Corporation of America, LabCorp
Classification: Uncertain significance. Last evaluated: 2024-07-30. Review status: criteria provided, single submitter. Criteria: LabCorp Variant Classification Summary - May 2015. Collection method: clinical testing. Allele origin: germline.
Comment: Variant summary: SCN4A c.703+5T>C alters a non-conserved nucleotide located close to a canonical splice site and therefore could affect mRNA splicing, leading to a significantly altered protein sequence. Consensus agreement among computation tools predict no significant impact on normal splicing. However, these predictions have yet to be confirmed by functional studies. The variant allele was found at a frequency of 1.2e-05 in 162630 control chromosomes. The available data on variant occurrences in the general population are insufficient to allow any conclusion about variant significance. To our knowledge, no occurrence of c.703+5T>C in individuals affected with Congenital Myopathy 22A, Classic and no experimental evidence demonstrating its impact on protein function have been reported. No submitters have cited clinical-significance assessments for this variant to ClinVar. Based on the evidence outlined above, the variant was classified as uncertain significance.